The following is an entry in ClinVar:

ClinVar aggregate classification (germline): Uncertain significance. Review status: criteria provided, multiple submitters, no conflicts (2 of 4 stars). 2 submissions from 2 submitters: Uncertain significance (2). Last evaluated 2026-09-08.

Conditions:
Fabry disease. Also called: Fabry's disease; ALPHA-GALACTOSIDASE A DEFICIENCY; ANDERSON-FABRY DISEASE; CERAMIDE TRIHEXOSIDASE DEFICIENCY; GLA DEFICIENCY; Ceramide trihexosidosis. Identifiers: Orphanet 324, MedGen C0002986, MONDO:0010526, OMIM 301500, HP:0001071. Disease mechanism: Fabry disease is due to inactivating mutations in the X-linked GLA gene resulting in deficiency of the enzyme Alpha Galactosidase-A., loss of function.

Submissions (2):

Genomenon, Inc
Classification: Uncertain significance for Fabry disease. Last evaluated: 2026-09-08. Review status: criteria provided, single submitter. Criteria: Genomenon Sequence Variant Interpretation Standards - Updated. Collection method: curation. Allele origin: germline. Affected: yes.
Comment: GLA p.Pro380Leu (c.1139C>T) is a missense variant that changes the amino acid at codon 380 from Proline to Leucine. This variant has been observed in at least one proband with clinical features consistent with Fabry disease (PMID:36178639). Functional or patient cell studies have been reported (PMID:38295534). It is absent or not present at a significant frequency in gnomAD. In silico models predict that this variant is possibly or probably damaging. In conclusion, we classify GLA p.Pro380Leu (c.1139C>T) as a variant of uncertain significance.

Labcorp Genetics (formerly Invitae), Labcorp
Classification: Uncertain significance for Fabry disease. Last evaluated: 2023-04-25. Review status: criteria provided, single submitter. Criteria: Invitae Variant Classification Sherloc (09022015). Collection method: clinical testing. Allele origin: germline.
Comment: This variant is not present in population databases (gnomAD no frequency). In summary, the available evidence is currently insufficient to determine the role of this variant in disease. Therefore, it has been classified as a Variant of Uncertain Significance. Advanced modeling of protein sequence and biophysical properties (such as structural, functional, and spatial information, amino acid conservation, physicochemical variation, residue mobility, and thermodynamic stability) performed at Invitae indicates that this missense variant is not expected to disrupt GLA protein function. This variant has not been reported in the literature in individuals affected with GLA-related conditions. This sequence change replaces proline, which is neutral and non-polar, with leucine, which is neutral and non-polar, at codon 380 of the GLA protein (p.Pro380Leu).

Literature cited by the submitters: PubMed 36178639 (cited by Genomenon, Inc); PubMed 38295534 (cited by Genomenon, Inc).

NM_000169.3(GLA):c.1139C>T (p.Pro380Leu)

Genes: GLA (galactosidase alpha; minus strand), RPL36A-HNRNPH2 (RPL36A-HNRNPH2 readthrough; plus strand). Cytogenetic location: Xq22.1.
Variant type: single nucleotide variant.
Coding change: c.1139C>T on transcript NM_000169.3 (MANE Select); coding-DNA position 1139, C replaced by T.
Protein change: p.Pro380Leu; replaces proline 380 with leucine.
Molecular consequence: missense variant. On other transcripts: non-coding transcript variant (3), intron variant (2).
Genome position (GRCh38, 1-based): chrX:101,397,960, G>A on the plus strand (C>T on the coding strand, the complement: GLA is on the minus strand). VCF-style: chrX-101397960-G-A. GRCh37 (hg19) VCF-style: chrX-100652948-G-A.
Other names: c.1262C>T, p.Pro421Leu (NM_001406747.1); c.300+2503G>A (NM_001199973.2); c.177+6138G>A (NM_001199974.2); short protein forms P421L, P380L.
Identifiers: ClinVar variation 2858994 (VCV002858994.5), dbSNP rs2520851004, ClinGen allele CA413920289.